The following is an entry in ClinVar:

ClinVar aggregate classification (germline): Likely pathogenic (1 of 4 stars; one submission).

Conditions:
Biotinidase deficiency. Also called: BTD deficiency; Late-onset biotin-responsive multiple carboxylase deficiency; Biotin deficiency. Identifiers: Orphanet 79241, MedGen C0220754, MONDO:0009665, OMIM 253260.

Submission:

Natera, Inc.
Classification: Likely pathogenic for Biotinidase deficiency. Last evaluated: 2025-04-29. Review status: criteria provided, single submitter. Criteria: Natera Variant Classification Schema (03/2026). Collection method: clinical testing. Allele origin: germline.
Comment: The c.731C>T variant in BTD is a missense variant predicted to cause substitution of threonine to isoleucine at amino acid 244. This variant is rare in the general population with a frequency below the threshold expected for the associated phenotype(s). This variant has been observed in one or more individuals affected with the associated recessive disease, as either homozygous or compound heterozygous with a second variant (PMID: 25754625). This variant has been identified in one or more affected individuals with a phenotype highly consistent with the associated gene (PMID: 25754625). Computational prediction algorithms indicate this variant is likely to affect gene or protein function. Given the available evidence, this variant is classified as Likely Pathogenic.

Literature cited by the submitters: PubMed 25754625.

NM_000060.4:c.731C>T

Variant type: single nucleotide variant.
Other names: c.731C>T (NM_000060.4).
Identifiers: ClinVar variation 4816040 (VCV004816040.1).